The following is an entry in ClinVar:

NM_004370.6(COL12A1):c.4600G>A (p.Asp1534Asn)

Gene: COL12A1 (collagen type XII alpha 1 chain; minus strand). Cytogenetic location: 6q13.
Variant type: single nucleotide variant.
Coding change: c.4600G>A on transcript NM_004370.6 (MANE Select); coding-DNA position 4600, G replaced by A.
Protein change: p.Asp1534Asn; replaces aspartic acid 1534 with asparagine.
Molecular consequence: missense variant.
Genome position (GRCh38, 1-based): chr6:75,145,416, C>T on the plus strand (G>A on the coding strand, the complement: COL12A1 is on the minus strand). VCF-style: chr6-75145416-C-T. GRCh37 (hg19) VCF-style: chr6-75855132-C-T.
Other names: c.4600G>A, p.Asp1534Asn (NM_001424113.1, NM_001424114.1); c.4327G>A, p.Asp1443Asn (NM_001424115.1); c.1108G>A, p.Asp370Asn (NM_001424116.1, NM_080645.3); short protein forms D1443N, D370N, D1534N.
Identifiers: ClinVar variation 2950973 (VCV002950973.3), dbSNP rs1288779605, ClinGen allele CA364743113.

ClinVar aggregate classification (germline): Uncertain significance (1 of 4 stars; one submission).

Conditions:
Ullrich congenital muscular dystrophy 2 (UCMD2). Identifiers: Orphanet 75840, MedGen C4225314, MONDO:0014654, OMIM 616470.
Bethlem myopathy 2 (BTHLM2). Identifiers: Orphanet 536516, Orphanet 610, MedGen C4225313, MONDO:0034022, OMIM 616471.

gnomAD v4.1: 6 of 1,613,982 alleles (0.00037%); highest among the groups gnomAD compares: South Asian, 0.0055%; no homozygotes.

Submission:

Labcorp Genetics (formerly Invitae), Labcorp
Classification: Uncertain significance for Bethlem myopathy 2; Ullrich congenital muscular dystrophy 2. Last evaluated: 2023-11-19. Review status: criteria provided, single submitter. Criteria: Invitae Variant Classification Sherloc (09022015). Collection method: clinical testing. Allele origin: germline.
Comment: This sequence change replaces aspartic acid, which is acidic and polar, with asparagine, which is neutral and polar, at codon 1534 of the COL12A1 protein (p.Asp1534Asn). This variant is present in population databases (no rsID available, gnomAD 0.003%). This variant has not been reported in the literature in individuals affected with COL12A1-related conditions. Advanced modeling of protein sequence and biophysical properties (such as structural, functional, and spatial information, amino acid conservation, physicochemical variation, residue mobility, and thermodynamic stability) performed at Invitae indicates that this missense variant is not expected to disrupt COL12A1 protein function with a negative predictive value of 80%. In summary, the available evidence is currently insufficient to determine the role of this variant in disease. Therefore, it has been classified as a Variant of Uncertain Significance.